The following is an entry in ClinVar:

NM_001367624.2(ZNF469):c.9555C>G (p.Ala3185=)

Gene: ZNF469 (zinc finger protein 469; plus strand). Cytogenetic location: 16q24.2.
Variant type: single nucleotide variant.
Coding change: c.9555C>G on transcript NM_001367624.2 (MANE Select); coding-DNA position 9555, C replaced by G.
Protein change: p.Ala3185=; no amino-acid change (alanine 3185 retained).
Molecular consequence: synonymous variant.
Genome position (GRCh38, 1-based): chr16:88,437,025, C>G. VCF-style: chr16-88437025-C-G. GRCh37 (hg19) VCF-style: chr16-88503433-C-G.
Other names: NM_001127464.1:c.9471C>G; NM_001127464.2:c.9471C>G; p.Ala3185=.
Identifiers: ClinVar variation 126934 (VCV000126934.50), dbSNP rs273585636, ClinGen allele CA151307.

ClinVar aggregate classification (germline): Benign/Likely benign. Review status: criteria provided, multiple submitters, no conflicts (2 of 4 stars). 13 submissions from 13 submitters: Benign (3); Likely benign (7). 3 of the submissions do not count toward it. Last evaluated 2026-03-31.

Conditions:
Cardiovascular phenotype. Identifiers: MedGen CN230736.
Ehlers-Danlos syndrome (EDS). Identifiers: Orphanet 98249, MedGen C0013720, MONDO:0020066.
Keratoconus 1 (KTCN1). Identifiers: MedGen C1835677, MONDO:0007851, OMIM 148300.
Brittle cornea syndrome 1 (BCS1). Also called: FRAGILITAS OCULI WITH JOINT HYPEREXTENSIBILITY; DYSGENESIS MESODERMALIS CORNEAE ET SCLERAE; Corneal fragility keratoglobus, blue sclerae AND joint hypermobility; CORNEAL FRAGILITY, KERATOGLOBUS, BLUE SCLERAE, JOINT HYPEREXTENSIBILITY; EDS6B. Identifiers: Orphanet 90354, MedGen C0268344, MONDO:0024543, OMIM 229200.

Allele frequency attached by ClinVar (database versions not stated): gnomAD 0.00052 and 0.00064; TOPMed 0.00062; 1000 Genomes Project 30x 0.00109; 1000 Genomes Project 0.00120; ExAC 0.00683.
gnomAD v4.1: 1,451 of 1,528,680 alleles (0.095%); highest among the groups gnomAD compares: South Asian, 0.58%; 7 homozygotes.

Submissions (13):

Women's Health and Genetics/Laboratory Corporation of America, LabCorp
Classification: Likely benign. Last evaluated: 2026-03-31. Review status: criteria provided, single submitter. Criteria: LabCorp Variant Classification Summary - May 2015. Collection method: clinical testing. Allele origin: germline.

Labcorp Genetics (formerly Invitae), Labcorp
Classification: Benign. Last evaluated: 2026-02-02. Review status: criteria provided, single submitter. Criteria: Invitae Variant Classification Sherloc (09022015). Collection method: clinical testing. Allele origin: germline.

CeGaT Center for Human Genetics Tuebingen
Classification: Likely benign. Last evaluated: 2025-10-01. Review status: criteria provided, single submitter. Criteria: CeGaT Center For Human Genetics Tuebingen Variant Classification Criteria Version 2. Collection method: clinical testing. Allele origin: germline. Affected: yes. Observed: 4 variant alleles.
Comment: ZNF469: BP4, BP7

Mayo Clinic Laboratories, Mayo Clinic
Classification: Likely benign. Last evaluated: 2025-05-13. Review status: criteria provided, single submitter. Criteria: ACMG Guidelines, 2015. Collection method: clinical testing. Allele origin: germline. Observed: 5 variant alleles.
Comment: BS1, BP4, BP7

Blueprint Genetics
Classification: Likely benign. Last evaluated: 2024-10-28. Review status: criteria provided, single submitter. Criteria: ACMG Guidelines, 2015. Collection method: clinical testing. Allele origin: germline.

Genome Diagnostics Laboratory, The Hospital for Sick Children
Classification: Likely benign for Ehlers-Danlos syndrome. Last evaluated: 2022-05-09. Review status: criteria provided, single submitter. Criteria: ACMG Guidelines, 2015. Collection method: clinical testing. Allele origin: germline.

Genome-Nilou Lab
Classification: Benign for Brittle cornea syndrome 1. Last evaluated: 2021-12-05. Review status: criteria provided, single submitter. Criteria: ACMG Guidelines, 2015. Collection method: clinical testing. Allele origin: germline. Affected: no.

GeneDx
Classification: Likely benign. Last evaluated: 2020-12-18. Review status: criteria provided, single submitter. Criteria: GeneDx Variant Classification Process June 2021. Collection method: clinical testing. Allele origin: germline. Affected: yes.

Ambry Genetics
Classification: Benign for Cardiovascular phenotype. Last evaluated: 2019-09-20. Review status: criteria provided, single submitter. Criteria: Ambry Variant Classification Scheme 2023. Collection method: clinical testing. Allele origin: germline.

Breakthrough Genomics
Classification: Likely benign. Review status: criteria provided, single submitter. Criteria: ACMG Guidelines, 2015. Collection method: not provided. Allele origin: germline. Inheritance: Autosomal recessive inheritance. Affected: yes.

Clinical Genetics DNA and cytogenetics Diagnostics Lab, Erasmus MC, Erasmus Medical Center
Classification: Likely benign. Review status: no assertion criteria provided. Collection method: clinical testing. Allele origin: germline. Affected: yes. Study: VKGL Data-share Consensus. Not counted in ClinVar's aggregate classification.

Genome Diagnostics Laboratory, Amsterdam University Medical Center
Classification: Benign. Review status: no assertion criteria provided. Collection method: clinical testing. Allele origin: germline. Affected: yes. Study: VKGL Data-share Consensus. Not counted in ClinVar's aggregate classification.

Willoughby Group, Queen's University Belfast
Classification: Benign for Keratoconus 1. Review status: no assertion criteria provided. Collection method: not provided. Allele origin: germline. Not counted in ClinVar's aggregate classification.
ClinVar note: Converted during submission from non-pathogenic to Benign.